The following is an entry in ClinVar:

ClinVar aggregate classification (germline): Uncertain significance (1 of 4 stars; one submission).

Submission:

Labcorp Genetics (formerly Invitae), Labcorp
Classification: Uncertain significance. Last evaluated: 2024-10-17. Review status: criteria provided, single submitter. Criteria: Invitae Variant Classification Sherloc (09022015). Collection method: clinical testing. Allele origin: germline.
Comment: This sequence change replaces glutamic acid, which is acidic and polar, with aspartic acid, which is acidic and polar, at codon 84 of the RIPK1 protein (p.Glu84Asp). This variant is not present in population databases (gnomAD no frequency). This variant has not been reported in the literature in individuals affected with RIPK1-related conditions. ClinVar contains an entry for this variant (Variation ID: 1949945). An algorithm developed to predict the effect of missense changes on protein structure and function (PolyPhen-2) suggests that this variant is likely to be disruptive. In summary, the available evidence is currently insufficient to determine the role of this variant in disease. Therefore, it has been classified as a Variant of Uncertain Significance.

NM_001354930.2(RIPK1):c.252G>T (p.Glu84Asp)

Gene: RIPK1 (receptor interacting serine/threonine kinase 1; plus strand). Cytogenetic location: 6p25.2.
Variant type: single nucleotide variant.
Coding change: c.252G>T on transcript NM_001354930.2 (MANE Select); coding-DNA position 252, G replaced by T.
Protein change: p.Glu84Asp; replaces glutamic acid 84 with aspartic acid.
Molecular consequence: missense variant. On other transcripts: 5 prime UTR variant (4).
Genome position (GRCh38, 1-based): chr6:3,077,866, G>T. VCF-style: chr6-3077866-G-T. GRCh37 (hg19) VCF-style: chr6-3078100-G-T.
Other names: c.-352G>T (NM_001317061.3, NM_001354932.2, NM_001354933.2 and 1 more transcripts); c.252G>T, p.Glu84Asp (NM_001354931.2, NM_003804.6); short protein forms E84D.
Identifiers: ClinVar variation 1949945 (VCV001949945.5), dbSNP rs780678315, ClinGen allele CA362574806.